The following is an entry in ClinVar:

ClinVar aggregate classification (germline): Pathogenic. Review status: reviewed by expert panel (3 of 4 stars). 8 submissions from 8 submitters: Pathogenic (1). 7 of the submissions do not count toward it. Last evaluated 2016-09-08.

Conditions:
Hereditary cancer-predisposing syndrome. Also called: Tumor predisposition; Neoplastic Syndromes, Hereditary; Hereditary neoplastic syndrome; Hereditary Cancer Syndrome. Identifiers: Orphanet 140162, MedGen C0027672, MeSH D009386, MONDO:0015356.
Hereditary breast ovarian cancer syndrome. Also called: Hereditary breast and ovarian cancer; Hereditary breast and ovarian cancer syndrome (HBOC); Hereditary breast and/or ovarian cancer syndrome; Breast and ovarian cancer; Hereditary breast and ovarian cancer syndrome; BRCA1- and BRCA2-Associated Hereditary Breast and Ovarian Cancer. Identifiers: Orphanet 145, MedGen C0677776, MeSH D061325, MONDO:0003582. Disease mechanism: loss of function.
Breast-ovarian cancer, familial, susceptibility to, 2 (BROVCA2). Also called: BRCA2 Hereditary Breast and Ovarian Cancer. Identifiers: Orphanet 145, MedGen C2675520, MONDO:0012933, OMIM 612555. Disease mechanism: loss of function.
Familial cancer of breast. Also called: Hereditary breast cancer; BREAST CANCER, FAMILIAL; hereditary breast carcinoma. Identifiers: Orphanet 227535, MedGen C0346153, MONDO:0016419, OMIM 114480. Disease mechanism: loss of function.

Submissions (8):

Evidence-based Network for the Interpretation of Germline Mutant Alleles (ENIGMA)
Classification: Pathogenic for Breast-ovarian cancer, familial, susceptibility to, 2. Last evaluated: 2016-09-08. Review status: reviewed by expert panel. Criteria: ENIGMA BRCA1/2 Classification Criteria (2015). Collection method: curation. Allele origin: germline.
Comment: Variant allele predicted to encode a truncated non-functional protein.

Labcorp Genetics (formerly Invitae), Labcorp
Classification: Pathogenic for Hereditary breast ovarian cancer syndrome. Last evaluated: 2025-11-17. Review status: criteria provided, single submitter. Criteria: Invitae Variant Classification Sherloc (09022015). Collection method: clinical testing. Allele origin: germline. Not counted in ClinVar's aggregate classification.
Comment: This sequence change creates a premature translational stop signal (p.Asn886Lysfs*3) in the BRCA2 gene. It is expected to result in an absent or disrupted protein product. Loss-of-function variants in BRCA2 are known to be pathogenic (PMID: 20104584). This variant is not present in population databases (gnomAD no frequency). This premature translational stop signal has been observed in individual(s) with BRCA2-related conditions (PMID: 21520333). ClinVar contains an entry for this variant (Variation ID: 37796). For these reasons, this variant has been classified as Pathogenic.

Baylor Genetics
Classification: Likely pathogenic for Familial cancer of breast. Last evaluated: 2024-01-09. Review status: criteria provided, single submitter. Criteria: ACMG Guidelines, 2015. Collection method: clinical testing. Allele origin: unknown. Not counted in ClinVar's aggregate classification.

Ambry Genetics
Classification: Pathogenic for Hereditary cancer-predisposing syndrome. Last evaluated: 2021-12-01. Review status: criteria provided, single submitter. Criteria: Ambry Variant Classification Scheme 2023. Collection method: clinical testing. Allele origin: germline. Not counted in ClinVar's aggregate classification.
Comment: The c.2658_2659delTG pathogenic mutation, located in coding exon 10 of the BRCA2 gene, results from a deletion of two nucleotides at nucleotide positions 2658 to 2659, causing a translational frameshift with a predicted alternate stop codon (p.N886Kfs*3). This variant is considered to be rare based on population cohorts in the Genome Aggregation Database (gnomAD). This alteration is expected to result in loss of function by premature protein truncation or nonsense-mediated mRNA decay. As such, this alteration is interpreted as a disease-causing mutation.

Quest Diagnostics Nichols Institute San Juan Capistrano
Classification: Pathogenic. Last evaluated: 2019-02-14. Review status: criteria provided, single submitter. Criteria: Quest Diagnostics criteria. Collection method: clinical testing. Allele origin: germline. Not counted in ClinVar's aggregate classification.
Comment: The variant results in a shift of the reading frame, and is therefore predicted to result in the loss of a functional protein. Found in at least one symptomatic patient, and not found in general population data.

Women's Health and Genetics/Laboratory Corporation of America, LabCorp
Classification: Likely pathogenic for Hereditary breast and ovarian cancer syndrome. Last evaluated: 2019-02-14. Review status: criteria provided, single submitter. Criteria: LabCorp Variant Classification Summary - May 2015. Collection method: clinical testing. Allele origin: germline. Not counted in ClinVar's aggregate classification.
Comment: Variant summary: BRCA2 c.2658_2659delTG (p.Asn886LysfsX3) results in a premature termination codon, predicted to cause a truncation of the encoded protein or absence of the protein due to nonsense mediated decay, which are commonly known mechanisms for disease. Truncations downstream of this position have been classified as pathogenic by our laboratory (e.g. c.2808delA (p.Lys936fsX24), c.2808_2811delACAA (p.Ala938fsX21), c.2830A>T (p.Lys944X)). The variant allele was found at a frequency of 4.4e-06 in 226710 control chromosomes (gnomAD). To our knowledge, no occurrence of c.2658_2659delTG in individuals affected with Hereditary Breast and Ovarian Cancer and no experimental evidence demonstrating its impact on protein function have been reported. Two clinical diagnostic laboratories have submitted clinical-significance assessments for this variant to ClinVar after 2014 without evidence for independent evaluation, and both of them classified the variant as pathogenic. Based on the evidence outlined above, the variant was classified as likely pathogenic.

GeneDx
Classification: Pathogenic. Last evaluated: 2016-03-31. Review status: criteria provided, single submitter. Criteria: GeneDx Variant Classification (06012015). Collection method: clinical testing. Allele origin: germline. Affected: yes. Not counted in ClinVar's aggregate classification.
Comment: This deletion of 2 nucleotides in BRCA2 is denoted c.2658_2659delTG at the cDNA level and p.Asn886LysfsX3 (N886KfsX3) at the protein level. The normal sequence, with the bases that are deleted in braces, is ACAA[TG]AGAA. The deletion causes a frameshift which changes an Asparagine to a Lysine at codon 886, and creates a premature stop codon at position 3 of the new reading frame. Although this variant has not, to our knowledge, been reported in the literature, it is predicted to cause loss of normal protein function through either protein truncation or nonsense-mediated mRNA decay. We consider this variant to be pathogenic.

Sharing Clinical Reports Project (SCRP)
Classification: Pathogenic for Breast-ovarian cancer, familial 2. Last evaluated: 2009-05-05. Review status: no assertion criteria provided. Collection method: clinical testing. Allele origin: germline. Not counted in ClinVar's aggregate classification.

Literature cited by the submitters: PubMed 20104584 (cited by Labcorp Genetics (formerly Invitae), Labcorp); PubMed 21520333 (cited by Labcorp Genetics (formerly Invitae), Labcorp).

NM_000059.4(BRCA2):c.2658_2659del (p.Asn886fs)

Gene: BRCA2 (BRCA2 DNA repair associated; plus strand). Cytogenetic location: 13q13.1.
Variant type: Deletion.
Coding change: c.2658_2659del on transcript NM_000059.4 (MANE Select); coding-DNA positions 2658 to 2659, 2 bases deleted (TG; older notation c.2658_2659delTG).
Protein change: p.Asn886fs; shifts the reading frame from asparagine 886.
Molecular consequence: frameshift variant.
Genome position (GRCh38, 1-based): chr13:32,337,013-32,337,014, TG deleted. VCF-style (leftmost placement, unchanged base first): chr13-32337012-ATG-A. GRCh37 (hg19) VCF-style: chr13-32911149-ATG-A.
Other names: 2886delTG; c.2658_2659delTG (NM_000059.3); short protein forms N886fs.
Identifiers: ClinVar variation 37796 (VCV000037796.21), dbSNP rs397507291, ClinGen allele CA015970.